The following is an entry in ClinVar:

NM_000138.5(FBN1):c.211T>C (p.Trp71Arg)

Gene: FBN1 (fibrillin 1; minus strand). Cytogenetic location: 15q21.1.
Variant type: single nucleotide variant.
Coding change: c.211T>C on transcript NM_000138.5 (MANE Select); coding-DNA position 211, T replaced by C.
Protein change: p.Trp71Arg; replaces tryptophan 71 with arginine.
Molecular consequence: missense variant.
Genome position (GRCh38, 1-based): chr15:48,613,046, A>G on the plus strand (T>C on the coding strand, the complement: FBN1 is on the minus strand). VCF-style: chr15-48613046-A-G. GRCh37 (hg19) VCF-style: chr15-48905243-A-G.
Other names: short protein forms W71R.
Identifiers: ClinVar variation 549066 (VCV000549066.4), dbSNP rs1555405658, ClinGen allele CA392448391.
Genomic context (GRCh38, chr15:48,613,046, plus strand): 5'-ATGACAAGTTTTCTATTTACTTACGGACAATACACTGATTTCCGCCAGGTAAGGTTTTCC[A>G]TCCAGGGCAACAGTAAGCATTATAACGTGATCCACAGACATTGGGTCTAAAACAAAAACA-3'
Protein context (NP_000129.3, residues 61-81): SRYNAYCCPG[Trp71Arg]KTLPGGNQCI

ClinVar aggregate classification (germline): Pathogenic. Review status: criteria provided, single submitter (1 of 4 stars). 2 submissions from 2 submitters: Pathogenic (1). 1 of the submissions does not count toward it. Last evaluated 2023-07-25.

Conditions:
Marfan syndrome (MFS). Also called: Marfan syndrome type 1; Marfan syndrome, classic; Marfan's syndrome; FBN1-Related Marfan Syndrome; MARFAN SYNDROME, TYPE I. Identifiers: Orphanet 284963, Orphanet 558, MedGen C0024796, MONDO:0007947, OMIM 154700.
Familial thoracic aortic aneurysm and aortic dissection (TAAD). Also called: Thoracic aortic aneurysms and dissections. Identifiers: Orphanet 91387, MedGen C4707243, MONDO:0019625.

Submissions (2):

Labcorp Genetics (formerly Invitae), Labcorp
Classification: Pathogenic for Marfan syndrome; Familial thoracic aortic aneurysm and aortic dissection. Last evaluated: 2023-07-25. Review status: criteria provided, single submitter. Criteria: Invitae Variant Classification Sherloc (09022015). Collection method: clinical testing. Allele origin: germline.
Comment: For these reasons, this variant has been classified as Pathogenic. This sequence change replaces tryptophan, which is neutral and slightly polar, with arginine, which is basic and polar, at codon 71 of the FBN1 protein (p.Trp71Arg). This variant is not present in population databases (gnomAD no frequency). This missense change has been observed in individual(s) with clinical features of Marfan syndrome (PMID: 16835936; Invitae). In at least one individual the variant was observed to be de novo. ClinVar contains an entry for this variant (Variation ID: 549066). Advanced modeling of protein sequence and biophysical properties (such as structural, functional, and spatial information, amino acid conservation, physicochemical variation, residue mobility, and thermodynamic stability) performed at Invitae indicates that this missense variant is expected to disrupt FBN1 protein function.

Center for Medical Genetics Ghent, University of Ghent
Classification: Likely pathogenic for Marfan syndrome. Last evaluated: 2017-11-07. Review status: no assertion criteria provided. Collection method: clinical testing. Allele origin: germline. Affected: yes. Not counted in ClinVar's aggregate classification.

Literature cited by the submitters: PubMed 16835936 (cited by Labcorp Genetics (formerly Invitae), Labcorp).